The following is an entry in ClinVar:

NM_018668.5(VPS33B):c.1192C>T (p.Arg398Cys)

Gene: VPS33B (VPS33B late endosome and lysosome associated; minus strand). Cytogenetic location: 15q26.1.
Variant type: single nucleotide variant.
Coding change: c.1192C>T on transcript NM_018668.5 (MANE Select); coding-DNA position 1192, C replaced by T.
Protein change: p.Arg398Cys; replaces arginine 398 with cysteine.
Molecular consequence: missense variant.
Genome position (GRCh38, 1-based): chr15:91,004,910, G>A on the plus strand (C>T on the coding strand, the complement: VPS33B is on the minus strand). VCF-style: chr15-91004910-G-A. GRCh37 (hg19) VCF-style: chr15-91548140-G-A.
Other names: c.1111C>T, p.Arg371Cys (NM_001289148.1); c.919C>T, p.Arg307Cys (NM_001289149.1); short protein forms R398C, R371C, R307C.
Identifiers: ClinVar variation 591612 (VCV000591612.7), dbSNP rs943813904, ClinGen allele CA274751193.

ClinVar aggregate classification (germline): Uncertain significance. Review status: criteria provided, multiple submitters, no conflicts (2 of 4 stars). 3 submissions from 3 submitters: Uncertain significance (2). 1 of the submissions does not count toward it. Last evaluated 2024-11-02.

Conditions:
Arthrogryposis, renal dysfunction, and cholestasis 1 (ARCS1). Identifiers: Orphanet 2697, MedGen C1859722, MONDO:0008822, OMIM 208085.

Allele frequency attached by ClinVar (database versions not stated): gnomAD 0.00001; gnomAD exomes 0.00001; TOPMed 0.00002.
gnomAD v4.1: 15 of 1,614,042 alleles (0.00093%); highest among the groups gnomAD compares: East Asian, 0.0045%; no homozygotes.

Submissions (3):

Labcorp Genetics (formerly Invitae), Labcorp
Classification: Uncertain significance. Last evaluated: 2024-11-02. Review status: criteria provided, single submitter. Criteria: Invitae Variant Classification Sherloc (09022015). Collection method: clinical testing. Allele origin: germline.
Comment: This sequence change replaces arginine, which is basic and polar, with cysteine, which is neutral and slightly polar, at codon 398 of the VPS33B protein (p.Arg398Cys). This variant is not present in population databases (gnomAD no frequency). This variant has not been reported in the literature in individuals affected with VPS33B-related conditions. ClinVar contains an entry for this variant (Variation ID: 591612). Invitae Evidence Modeling of protein sequence and biophysical properties (such as structural, functional, and spatial information, amino acid conservation, physicochemical variation, residue mobility, and thermodynamic stability) has been performed for this missense variant. However, the output from this modeling did not meet the statistical confidence thresholds required to predict the impact of this variant on VPS33B protein function. In summary, the available evidence is currently insufficient to determine the role of this variant in disease. Therefore, it has been classified as a Variant of Uncertain Significance.

Illumina Laboratory Services, Illumina
Classification: Uncertain significance for Arthrogryposis, renal dysfunction, and cholestasis 1. Last evaluated: 2017-04-28. Review status: criteria provided, single submitter. Criteria: ICSL Variant Classification Criteria 13 December 2019. Collection method: clinical testing. Allele origin: germline.

Gharavi Laboratory, Columbia University
Classification: Uncertain significance. Last evaluated: 2018-09-16. Review status: no assertion criteria provided. Criteria: ACMG Guidelines, 2015. Collection method: research. Allele origin: germline. Affected: yes. Not counted in ClinVar's aggregate classification.